The following is an entry in ClinVar:

NM_001378454.1(ALMS1):c.4222G>A (p.Val1408Ile)

Gene: ALMS1 (ALMS1 centrosome and basal body associated protein; plus strand). Cytogenetic location: 2p13.1.
Variant type: single nucleotide variant.
Coding change: c.4222G>A on transcript NM_001378454.1 (MANE Select); coding-DNA position 4222, G replaced by A.
Protein change: p.Val1408Ile; replaces valine 1408 with isoleucine.
Molecular consequence: missense variant.
Genome position (GRCh38, 1-based): chr2:73,450,749, G>A. VCF-style: chr2-73450749-G-A. GRCh37 (hg19) VCF-style: chr2-73677876-G-A.
Other names: c.4225G>A, p.Val1409Ile (NM_015120.4); short protein forms V1409I, V1408I.
Identifiers: ClinVar variation 459867 (VCV000459867.26), dbSNP rs200529564, ClinGen allele CA1713661.

ClinVar aggregate classification (germline): Conflicting classifications of pathogenicity. Review status: criteria provided, conflicting classifications (1 of 4 stars). 9 submissions from 9 submitters: Uncertain significance (6); Likely benign (3). Last evaluated 2026-10-13.

Conditions:
Monogenic diabetes. Identifiers: Orphanet 183625, MedGen C3888631, MONDO:0015967.
Alstrom syndrome (ALMS). Identifiers: Orphanet 64, MedGen C0268425, MONDO:0008763, OMIM 203800.
Cardiovascular phenotype. Identifiers: MedGen CN230736.

Allele frequency attached by ClinVar (database versions not stated): gnomAD 0.00041 and 0.00042; gnomAD exomes 0.00056 and 0.00041; ESP Exome Variant Server 0.00042; TOPMed 0.00038; ExAC 0.00043.
gnomAD v4.1: 878 of 1,612,126 alleles (0.054%); highest among the groups gnomAD compares: Non-Finnish European, 0.067%; no homozygotes.

Submissions (9):

GeneDx
Classification: Uncertain significance. Last evaluated: 2026-10-13. Review status: criteria provided, single submitter. Criteria: GeneDx Variant Classification Process June 2021. Collection method: clinical testing. Allele origin: germline.
Comment: Reported as homozygous in two patients with Alstrom syndrome who were also homozygous for a second variant (PMID: 28432734); In silico analysis suggests that this missense variant does not alter protein structure/function; This variant is associated with the following publications: (PMID: 28432734)

Women's Health and Genetics/Laboratory Corporation of America, LabCorp
Classification: Uncertain significance. Last evaluated: 2025-09-15. Review status: criteria provided, single submitter. Criteria: LabCorp Variant Classification Summary - May 2015. Collection method: clinical testing. Allele origin: germline.
Comment: Variant summary: ALMS1 c.4219G>A (p.Val1407Ile) results in a conservative amino acid change in the encoded protein sequence. Algorithms developed to predict the effect of missense changes on protein structure and function all suggest that this variant is likely to be tolerated. The variant allele was found at a frequency of 0.00041 in 249300 control chromosomes. This frequency is not significantly higher than estimated for disease-causing variants in ALMS1, allowing no conclusion about variant significance. c.4219G>A has been observed in two homozygous individuals affected with Alstrom Syndrome (Astuti_2017). These report(s) do not provide unequivocal conclusions about association of the variant with Alstrom Syndrome With Dilated Cardiomyopathy. Co-occurrences with other pathogenic variant(s) have been reported (ALMS1 c.5078delC, p.(Pro1693Leufs*39)), providing supporting evidence for a benign role. To our knowledge, no experimental evidence demonstrating an impact on protein function has been reported. The following publication have been ascertained in the context of this evaluation (PMID: 28432734). ClinVar contains an entry for this variant (Variation ID: 459867). Based on the evidence outlined above, the variant was classified as uncertain significance.

Blueprint Genetics
Classification: Likely benign. Last evaluated: 2024-07-25. Review status: criteria provided, single submitter. Criteria: ACMG Guidelines, 2015. Collection method: clinical testing. Allele origin: germline.

ARUP Laboratories, Molecular Genetics and Genomics, ARUP Laboratories
Classification: Uncertain significance for Alstrom syndrome. Last evaluated: 2024-01-19. Review status: criteria provided, single submitter. Criteria: ARUP Molecular Germline Variant Investigation Process 2024. Collection method: clinical testing. Allele origin: germline.
Comment: The ALMS1 c.4222G>A; p.Val1408Ile variant (rs200529564), also known as NM_015120.4:c.4225G>A; p.Val1409Ile, is reported in the literature in individuals with Alstrom syndrome (Astuti 2017). This variant is also reported in ClinVar (Variation ID: 459867). It is observed in the general population with an overall allele frequency of 0.04% (109/280542 alleles) in the Genome Aggregation Database (v2.1.1). Computational analyses predict that this variant is neutral (REVEL: 0.005). Due to limited information, the clinical significance of this variant is uncertain at this time. References: Astuti D et al. Monogenic diabetes syndromes: Locus-specific databases for Alstrom, Wolfram, and Thiamine-responsive megaloblastic anemia. Hum Mutat. 2017 Jul;38(7):764-777. PMID: 28432734.

Labcorp Genetics (formerly Invitae), Labcorp
Classification: Uncertain significance for Alstrom syndrome. Last evaluated: 2022-10-17. Review status: criteria provided, single submitter. Criteria: Invitae Variant Classification Sherloc (09022015). Collection method: clinical testing. Allele origin: germline.
Comment: This sequence change replaces valine, which is neutral and non-polar, with isoleucine, which is neutral and non-polar, at codon 1409 of the ALMS1 protein (p.Val1409Ile). This variant is present in population databases (rs200529564, gnomAD 0.06%). This missense change has been observed in individual(s) with Alstrom syndrome (PMID: 28432734). ClinVar contains an entry for this variant (Variation ID: 459867). Algorithms developed to predict the effect of missense changes on protein structure and function output the following: SIFT: "Not Available"; PolyPhen-2: "Not Available"; Align-GVGD: "Not Available". The isoleucine amino acid residue is found in multiple mammalian species, which suggests that this missense change does not adversely affect protein function. In summary, the available evidence is currently insufficient to determine the role of this variant in disease. Therefore, it has been classified as a Variant of Uncertain Significance.

Ambry Genetics
Classification: Likely benign for Cardiovascular phenotype. Last evaluated: 2022-03-31. Review status: criteria provided, single submitter. Criteria: Ambry Variant Classification Scheme 2023. Collection method: clinical testing. Allele origin: germline.

Genetic Services Laboratory, University of Chicago
Classification: Uncertain significance. Last evaluated: 2021-06-21. Review status: criteria provided, single submitter. Criteria: ACMG Guidelines, 2015. Collection method: clinical testing. Allele origin: germline. Affected: no.
Comment: DNA sequence analysis of the ALMS1 gene demonstrated a sequence change, c.4225G>A, in exon 8 that results in an amino acid change, p.Val1409Ile. This sequence change has been described in gnomAD with a frequency of 0.059% in the Non-Finnish European sub-population (dbSNP rs200529564). The p.Val1409Ile change affects a moderately conserved amino acid residue located in a domain of the ALMS1 protein that is not known to be functional. The p.Val1409Ile substitution appears to be tolerated using several in-silico pathogenicity prediction tools (SIFT, PolyPhen2, Align GVGD, REVEL). The c.4225G>A sequence change has been reported in the homozygous state in two affected individuals from the same family. However, both individuals were also homozygous for a likely pathogenic variant (c.5081del, p.Pro1692Leufs*39) (PMID: 28432734). Due to the lack of sufficient evidences, the clinical significance of the p.Val1409Ile change remains unknown at this time.

Baylor Genetics
Classification: Uncertain significance for Alstrom syndrome. Last evaluated: 2018-04-26. Review status: criteria provided, single submitter. Criteria: ACMG Guidelines, 2015. Collection method: clinical testing. Allele origin: unknown. Affected: yes.
Comment: This variant was determined to be of uncertain significance according to ACMG Guidelines, 2015 [PMID:25741868].

Personalized Diabetes Medicine Program, University of Maryland School of Medicine
Classification: Likely benign for Monogenic diabetes. Last evaluated: 2017-03-03. Review status: criteria provided, single submitter. Criteria: ACMG Guidelines, 2015. Collection method: research. Allele origin: unknown. Observed: 1 variant allele, 1 heterozygote.
Comment: ACMG criteria: BP4 (6 predictors), BP1 (missense when truncating cause disease)=likely benign

Literature cited by the submitters: PubMed 28432734 (cited by 3 submitters).